The following is an entry in ClinVar:

NM_002474.3(MYH11):c.2005C>T (p.Arg669Cys)

Gene: MYH11 (myosin heavy chain 11; minus strand). Cytogenetic location: 16p13.11.
Variant type: single nucleotide variant.
Coding change: c.2005C>T on transcript NM_002474.3 (MANE Select); coding-DNA position 2005, C replaced by T.
Protein change: p.Arg669Cys; replaces arginine 669 with cysteine.
Molecular consequence: missense variant.
Genome position (GRCh38, 1-based): chr16:15,750,191, G>A on the plus strand (C>T on the coding strand, the complement: MYH11 is on the minus strand). VCF-style: chr16-15750191-G-A. GRCh37 (hg19) VCF-style: chr16-15844048-G-A.
Other names: p.Arg676Cys; c.2026C>T, p.Arg676Cys (NM_001040113.2, NM_001040114.2); c.2005C>T, p.Arg669Cys (NM_022844.3); short protein forms R676C, R669C.
Identifiers: ClinVar variation 161319 (VCV000161319.74), dbSNP rs111404182, ClinGen allele CA211699.

ClinVar aggregate classification (germline): Conflicting classifications of pathogenicity. Review status: criteria provided, conflicting classifications (1 of 4 stars). 15 submissions from 15 submitters: Uncertain significance (3); Likely benign (9). 3 of the submissions do not count toward it. Last evaluated 2026-08-01.

Conditions:
MYH11-related disorder. Also called: MYH11-related condition.
Familial thoracic aortic aneurysm and aortic dissection (TAAD). Also called: Thoracic aortic aneurysms and dissections. Identifiers: Orphanet 91387, MedGen C4707243, MONDO:0019625.
Aortic aneurysm, familial thoracic 4 (AAT4). Also called: AORTIC ANEURYSM/AORTIC DISSECTION AND PATENT DUCTUS ARTERIOSUS. Identifiers: MedGen C1851504, MONDO:0007568, OMIM 132900.

Allele frequency attached by ClinVar (database versions not stated): 1000 Genomes Project 0.00020; ESP Exome Variant Server 0.00023; 1000 Genomes Project 30x 0.00031; gnomAD 0.00075 and 0.00079; gnomAD exomes 0.00081; TOPMed 0.00108.
gnomAD v4.1: 1,321 of 1,614,242 alleles (0.082%); highest among the groups gnomAD compares: Admixed American, 0.14%; 1 homozygote.

Submissions (15):

CeGaT Center for Human Genetics Tuebingen
Classification: Likely benign. Last evaluated: 2026-08-01. Review status: criteria provided, single submitter. Criteria: CeGaT Center For Human Genetics Tuebingen Variant Classification Criteria Version 2. Collection method: clinical testing. Allele origin: germline. Affected: yes. Observed: 14 variant alleles.
Comment: MYH11: BS1

Labcorp Genetics (formerly Invitae), Labcorp
Classification: Likely benign for Aortic aneurysm, familial thoracic 4. Last evaluated: 2026-02-04. Review status: criteria provided, single submitter. Criteria: Invitae Variant Classification Sherloc (09022015). Collection method: clinical testing. Allele origin: germline.

Blueprint Genetics
Classification: Likely benign. Last evaluated: 2024-11-13. Review status: criteria provided, single submitter. Criteria: ACMG Guidelines, 2015. Collection method: clinical testing. Allele origin: germline.

Women's Health and Genetics/Laboratory Corporation of America, LabCorp
Classification: Likely benign. Last evaluated: 2024-06-26. Review status: criteria provided, single submitter. Criteria: LabCorp Variant Classification Summary - May 2015. Collection method: clinical testing. Allele origin: germline.
Comment: Variant summary: MYH11 c.2026C>T (p.Arg676Cys) results in a non-conservative amino acid change located in the Myosin head, motor domain (IPR001609) of the encoded protein sequence. Five of five in-silico tools predict a damaging effect of the variant on protein function. The variant allele was found at a frequency of 0.0007 in 251374 control chromosomes, predominantly at a frequency of 0.001 within the Latino subpopulation in the gnomAD database. The observed variant frequency within Latino control individuals in the gnomAD database is approximately 800 fold of the estimated maximal expected allele frequency for a pathogenic variant in MYH11 causing Aortopathy phenotype (1.3e-06).c.2026C>T has been reported in the literature in several individuals without strong evidence for pathogenicity (example: Amendola_2015, Maxwell_2016. In one of these individuals another pathogenic variant (FBN1 c.3012C>A, p.Tyr1004) that could explain the patient phenotype, has been reported further providing supporting evidence for a benign role (Renner_2019). To our knowledge, no experimental evidence demonstrating an impact on protein function has been reported. ClinVar contains an entry for this variant (Variation ID: 161319). Based on the evidence outlined above, the variant was classified as likely benign.

Mayo Clinic Laboratories, Mayo Clinic
Classification: Likely benign. Last evaluated: 2024-05-17. Review status: criteria provided, single submitter. Criteria: ACMG Guidelines, 2015. Collection method: clinical testing. Allele origin: germline. Observed: 4 variant alleles.
Comment: BS1, PP3

CHEO Genetics Diagnostic Laboratory, Children's Hospital of Eastern Ontario
Classification: Likely benign for Familial thoracic aortic aneurysm and aortic dissection. Last evaluated: 2022-09-30. Review status: criteria provided, single submitter. Criteria: ACMG Guidelines, 2015. Collection method: clinical testing. Allele origin: germline.

GeneDx
Classification: Likely benign. Last evaluated: 2021-05-04. Review status: criteria provided, single submitter. Criteria: GeneDx Variant Classification Process June 2021. Collection method: clinical testing. Allele origin: germline. Affected: yes.
Comment: This variant is associated with the following publications: (PMID: 26332594, 27647783, 25839328, 25637381, 26077850, 22955375, 23142374, 17956658, 27153395, 29543232)

Color Diagnostics, LLC DBA Color Health
Classification: Likely benign for Familial thoracic aortic aneurysm and aortic dissection. Last evaluated: 2018-09-13. Review status: criteria provided, single submitter. Criteria: ACMG Guidelines, 2015. Collection method: clinical testing. Allele origin: germline.
Comment: Likely Benign based on current evidence: This missense variant is located in the myosin head/motor domain of the MYH11 protein. Computational prediction tools and conservation analyses suggest that this variant may impact the protein function. Computational splicing tools suggest that this variant may not impact the RNA splicing. To our knowledge, functional assays have not been performed for this variant nor has the variant been reported in individuals affected with cardiovascular disorders in the literature. This variant has been identified in 190/277130 chromosomes in the general population by the Genome Aggregation Database (gnomAD) and is fairly common in the Ashkenazi Jewish population (14/10148 chromosomes; 0.14%) and Non-Finnish European population (126/126640 chromosomes; 0.099%). This variant allele frequency is greater than expected for MYH11-related disorders based on prevalence, penetrance, and genetic heterogeneity. Based on available evidence, this variant is classified as Likely Benign.

Ambry Genetics
Classification: Likely benign for Familial thoracic aortic aneurysm and aortic dissection. Last evaluated: 2018-08-16. Review status: criteria provided, single submitter. Criteria: Ambry Variant Classification Scheme 2023. Collection method: clinical testing. Allele origin: germline.

Illumina Laboratory Services, Illumina
Classification: Uncertain significance for Aortic aneurysm, familial thoracic 4. Last evaluated: 2018-01-13. Review status: criteria provided, single submitter. Criteria: ICSL Variant Classification Criteria 13 December 2019. Collection method: clinical testing. Allele origin: germline.

ARUP Laboratories, Molecular Genetics and Genomics, ARUP Laboratories
Classification: Uncertain significance. Last evaluated: 2017-07-04. Review status: criteria provided, single submitter. Criteria: ARUP Molecular Germline Variant Investigation Process. Collection method: clinical testing. Allele origin: germline.

CSER _CC_NCGL, University of Washington
Classification: Uncertain significance for Aortic aneurysm, familial thoracic 4. Last evaluated: 2015-11-01. Review status: criteria provided, single submitter. Criteria: Amendola et al. (Genome Res. 2015). Collection method: research. Allele origin: germline. Inheritance: Autosomal dominant inheritance. Study: ESP 6500 variant annotation.
Comment: .GERP=4.43.ExAC Alt Allele Frequencies=AFR:0.0%,NFE:0.083%,EAS:0.0%,SAS:0.012%,FIN:0.0%,AMR:0.078%,OTH:0.325%.The variant was found in publications with the following PMIDs:23142374;25637381

Variants classified for the Actionable exomic incidental findings in 6503 participants: challenges of variant classification manuscript

PreventionGenetics, part of Exact Sciences
Classification: Likely benign for MYH11-related condition. Last evaluated: 2022-02-23. Review status: no assertion criteria provided. Collection method: clinical testing. Allele origin: germline. Not counted in ClinVar's aggregate classification.
Comment: This variant is classified as likely benign based on ACMG/AMP sequence variant interpretation guidelines (Richards et al. 2015 PMID: 25741868, with internal and published modifications).

Clinical Genetics DNA and cytogenetics Diagnostics Lab, Erasmus MC, Erasmus Medical Center
Classification: Likely benign. Review status: no assertion criteria provided. Collection method: clinical testing. Allele origin: germline. Affected: yes. Study: VKGL Data-share Consensus. Not counted in ClinVar's aggregate classification.

Genome Diagnostics Laboratory, Amsterdam University Medical Center
Classification: Likely benign. Review status: no assertion criteria provided. Collection method: clinical testing. Allele origin: germline. Affected: yes. Study: VKGL Data-share Consensus. Not counted in ClinVar's aggregate classification.

Literature cited by the submitters: PubMed 23142374 (cited by Women's Health and Genetics/Laboratory Corporation of America, LabCorp and Ambry Genetics); PubMed 26332594 (cited by Women's Health and Genetics/Laboratory Corporation of America, LabCorp and Ambry Genetics); PubMed 25637381 (cited by Women's Health and Genetics/Laboratory Corporation of America, LabCorp and Ambry Genetics); PubMed 25839328 (cited by Women's Health and Genetics/Laboratory Corporation of America, LabCorp); PubMed 27153395 (cited by Women's Health and Genetics/Laboratory Corporation of America, LabCorp); PubMed 26000489 (cited by Women's Health and Genetics/Laboratory Corporation of America, LabCorp); PubMed 26077850 (cited by Women's Health and Genetics/Laboratory Corporation of America, LabCorp and Ambry Genetics); PubMed 30675029 (cited by Women's Health and Genetics/Laboratory Corporation of America, LabCorp); PubMed 17956658 (cited by Ambry Genetics); PubMed 22955375 (cited by Ambry Genetics).